The following is an entry in ClinVar:

ClinVar aggregate classification (germline): Conflicting classifications of pathogenicity. Review status: criteria provided, conflicting classifications (1 of 4 stars). 14 submissions from 12 submitters: Uncertain significance (12); Likely benign (1). 1 of the submissions does not count toward it. Last evaluated 2026-07-13.

Conditions:
Nonsyndromic genetic hearing loss. Also called: Non-syndromic genetic deafness; Nonsyndromic genetic deafness; Nonsyndromic hearing loss and deafness. Identifiers: Orphanet 87884, MedGen C5680182, MONDO:0019497.
MYO7A-related disorder. Also called: MYO7A-related disorders.
Usher syndrome type 1 (USH1). Also called: RETINITIS PIGMENTOSA AND CONGENITAL DEAFNESS. Identifiers: Orphanet 231169, Orphanet 886, MedGen C1568247, MONDO:0010168, OMIM 276900.
Autosomal recessive nonsyndromic hearing loss 2. Also called: NEUROSENSORY NONSYNDROMIC RECESSIVE DEAFNESS 2; DEAFNESS, AUTOSOMAL RECESSIVE 2. Identifiers: Orphanet 90636, MedGen C1838701, MONDO:0010807, OMIM 600060.
Autosomal dominant nonsyndromic hearing loss 11. Identifiers: Orphanet 90635, MedGen C1832475, MONDO:0011032, OMIM 601317.
Usher syndrome type 1B (USH1B). Also called: Usher syndrome type IB. Identifiers: MedGen C1848638, MONDO:0700087.

Allele frequency attached by ClinVar (database versions not stated): ExAC 0.00011; gnomAD 0.00013 and 0.00014; gnomAD exomes 0.00015; TOPMed 0.00022.
gnomAD v4.1: 369 of 1,556,130 alleles (0.024%); highest among the groups gnomAD compares: Non-Finnish European, 0.028%; no homozygotes.

Submissions (14):

PreventionGenetics, part of Exact Sciences
Classification: Uncertain significance for MYO7A-related condition. Last evaluated: 2026-07-13. Review status: criteria provided, single submitter. Criteria: ACMG Guidelines, 2015. Collection method: clinical testing. Allele origin: germline.
Comment: The MYO7A c.1801G>A variant is predicted to result in the amino acid substitution p.Ala601Thr. To our knowledge, this variant has not been reported in the literature. This variant is present in 0.031% of alleles in individuals of East Asian descent in gnomAD. At this time, the clinical significance of this variant is uncertain due to the absence of conclusive functional and genetic evidence.

Labcorp Genetics (formerly Invitae), Labcorp
Classification: Likely benign. Last evaluated: 2026-01-25. Review status: criteria provided, single submitter. Criteria: Invitae Variant Classification Sherloc (09022015). Collection method: clinical testing. Allele origin: germline.

Laboratory of Prof. Karen Avraham, Tel Aviv University
Classification: Uncertain significance for Autosomal recessive nonsyndromic hearing loss 2. Last evaluated: 2024-12-25. Review status: criteria provided, single submitter. Criteria: ACMG Guidelines, 2015. Collection method: research. Allele origin: germline. Affected: yes. Observed: 1 variant allele.
Comment: The MYO7A c.1801G>A:p.(Ala601Thr) variant is extremely rare and possibly deleterious.

Blueprint Genetics
Classification: Uncertain significance. Last evaluated: 2024-11-20. Review status: criteria provided, single submitter. Criteria: ACMG Guidelines, 2015. Collection method: clinical testing. Allele origin: germline.

GeneDx
Classification: Uncertain significance. Last evaluated: 2024-06-17. Review status: criteria provided, single submitter. Criteria: GeneDx Variant Classification Process June 2021. Collection method: clinical testing. Allele origin: germline. Affected: yes.
Comment: Identified in a patient with profound bilateral deafness who also harbored variants in additional genes associated with hearing loss in published literature (PMID: 36330437); In silico analysis indicates that this missense variant does not alter protein structure/function; This variant is associated with the following publications: (PMID: 36330437)

CeGaT Center for Human Genetics Tuebingen
Classification: Uncertain significance. Last evaluated: 2023-11-01. Review status: criteria provided, single submitter. Criteria: CeGaT Center For Human Genetics Tuebingen Variant Classification Criteria Version 2. Collection method: clinical testing. Allele origin: germline. Affected: yes. Observed: 1 variant allele.
Comment: MYO7A: PM2

Laboratory of Medical Genetics, National & Kapodistrian University of Athens
Classification: Uncertain significance for Autosomal dominant nonsyndromic hearing loss 11. Last evaluated: 2021-10-06. Review status: criteria provided, single submitter. Criteria: ACMG Guidelines, 2015. Collection method: clinical testing. Allele origin: unknown.
Comment: PM1, PM2, PP2

Department of Pathology and Laboratory Medicine, Sinai Health System
Classification: Uncertain significance for nonsyndromic genetic hearing loss. Last evaluated: 2021-01-15. Review status: criteria provided, single submitter. Criteria: ACMG Guidelines, 2015. Collection method: research. Allele origin: germline.

Athena Diagnostics
Classification: Uncertain significance. Last evaluated: 2020-04-13. Review status: criteria provided, single submitter. Criteria: Athena Diagnostics Criteria. Collection method: clinical testing. Allele origin: unknown.

Laboratory for Molecular Medicine, Mass General Brigham Personalized Medicine
Classification: Uncertain significance. Last evaluated: 2018-06-21. Review status: criteria provided, single submitter. Criteria: LMM Criteria. Collection method: clinical testing. Allele origin: germline. Observed: 1 variant allele.
Comment: The p.Ala601Thr variant in MYO7A has not been previously reported in individuals with hearing loss or Usher syndrome, but has been identified in 4/12458 East As ian chromosomes by the Genome Aggregation Database (gnomAD; dbSNP rs782481491). This variant has also been reported in ClinVar (Variation ID 306170). Computational prediction tools and conservation analysis suggest that the p.Ala601Thr variant may not impact the protein, though this in formation is not predictive enough to rule out pathogenicity. In summary, the cl inical significance of the p.Ala601Thr variant is uncertain. ACMG/AMP Criteria a pplied: BP4.

Illumina Laboratory Services, Illumina
Classification: Uncertain significance for Autosomal recessive nonsyndromic hearing loss 2. Last evaluated: 2018-01-12. Review status: criteria provided, single submitter. Criteria: ICSL Variant Classification Criteria 13 December 2019. Collection method: clinical testing. Allele origin: germline.

Illumina Laboratory Services, Illumina
Classification: Uncertain significance for Autosomal dominant nonsyndromic hearing loss 11. Last evaluated: 2018-01-12. Review status: criteria provided, single submitter. Criteria: ICSL Variant Classification Criteria 13 December 2019. Collection method: clinical testing. Allele origin: germline.

Illumina Laboratory Services, Illumina
Classification: Uncertain significance for Usher syndrome type 1. Last evaluated: 2018-01-12. Review status: criteria provided, single submitter. Criteria: ICSL Variant Classification Criteria 13 December 2019. Collection method: clinical testing. Allele origin: germline.

Natera, Inc.
Classification: Uncertain significance for Usher syndrome type 1B. Last evaluated: 2020-04-16. Review status: no assertion criteria provided. Collection method: clinical testing. Allele origin: germline. Not counted in ClinVar's aggregate classification.

NM_000260.4(MYO7A):c.1801G>A (p.Ala601Thr)

Gene: MYO7A (myosin VIIA; plus strand). Cytogenetic location: 11q13.5.
Variant type: single nucleotide variant.
Coding change: c.1801G>A on transcript NM_000260.4 (MANE Select); coding-DNA position 1801, G replaced by A.
Protein change: p.Ala601Thr; replaces alanine 601 with threonine.
Molecular consequence: missense variant.
Genome position (GRCh38, 1-based): chr11:77,172,751, G>A. VCF-style: chr11-77172751-G-A. GRCh37 (hg19) VCF-style: chr11-76883797-G-A.
Other names: p.Ala601Thr; DFNB2; c.1801G>A, p.Ala601Thr (NM_001127180.2); c.1768G>A, p.Ala590Thr (NM_001369365.1); short protein forms A601T, A590T.
Identifiers: ClinVar variation 306170 (VCV000306170.50), dbSNP rs782481491, ClinGen allele CA6197616.